The following is an entry in ClinVar:

ClinVar aggregate classification (germline): Uncertain significance (1 of 4 stars; one submission).

Conditions:
Fanconi anemia (FA). Also called: Fanconi's anemia. Identifiers: Orphanet 84, MedGen C0015625, MeSH D005199, MONDO:0019391.

Allele frequency attached by ClinVar (database versions not stated): TOPMed below 0.00001; gnomAD 0.00001.
gnomAD v4.1: 1 of 1,613,954 alleles (0.000062%); highest among the groups gnomAD compares: Admixed American, 0.0017%; no homozygotes.

Submission:

Labcorp Genetics (formerly Invitae), Labcorp
Classification: Uncertain significance for Fanconi anemia. Last evaluated: 2024-04-16. Review status: criteria provided, single submitter. Criteria: Invitae Variant Classification Sherloc (09022015). Collection method: clinical testing. Allele origin: germline.
Comment: This sequence change replaces tyrosine, which is neutral and polar, with histidine, which is basic and polar, at codon 13 of the SLX4 protein (p.Tyr13His). This variant is not present in population databases (gnomAD no frequency). This variant has not been reported in the literature in individuals affected with SLX4-related conditions. ClinVar contains an entry for this variant (Variation ID: 1495060). Algorithms developed to predict the effect of missense changes on protein structure and function output the following: SIFT: "Not Available"; PolyPhen-2: "Benign"; Align-GVGD: "Not Available". The histidine amino acid residue is found in multiple mammalian species, which suggests that this missense change does not adversely affect protein function. In summary, the available evidence is currently insufficient to determine the role of this variant in disease. Therefore, it has been classified as a Variant of Uncertain Significance.

NM_032444.4(SLX4):c.37T>C (p.Tyr13His)

Gene: SLX4 (SLX4 structure-specific endonuclease subunit; minus strand). Cytogenetic location: 16p13.3.
Variant type: single nucleotide variant.
Coding change: c.37T>C on transcript NM_032444.4 (MANE Select); coding-DNA position 37, T replaced by C.
Protein change: p.Tyr13His; replaces tyrosine 13 with histidine.
Molecular consequence: missense variant.
Genome position (GRCh38, 1-based): chr16:3,608,928, A>G on the plus strand (T>C on the coding strand, the complement: SLX4 is on the minus strand). VCF-style: chr16-3608928-A-G. GRCh37 (hg19) VCF-style: chr16-3658929-A-G.
Other names: short protein forms Y13H.
Identifiers: ClinVar variation 1495060 (VCV001495060.8), dbSNP rs2040817612, ClinGen allele CA394548093.
Genomic context (GRCh38, chr16:3,608,928, plus strand): 5'-CTTCAGAGGAGCGAGGGTCAATCCCAGGACAGGCAGACAGATGAGAAAGTGAACCCAAGT[A>G]GAAGCCTAGCTGAGCCTCATTCACACTCAGTTTCATTAGGGTTCTTCTCTACTTCTCCAT-3'
Protein context (NP_115820.2, residues 3-23): LSVNEAQLGF[Tyr13His]LGSLSHLSAC